The following is an entry in ClinVar:

NM_006922.4(SCN3A):c.1070G>A (p.Arg357Gln)

Gene: SCN3A (sodium voltage-gated channel alpha subunit 3; minus strand). Cytogenetic location: 2q24.3.
Variant type: single nucleotide variant.
Coding change: c.1070G>A on transcript NM_006922.4 (MANE Select); coding-DNA position 1070, G replaced by A.
Protein change: p.Arg357Gln; replaces arginine 357 with glutamine.
Molecular consequence: missense variant.
Genome position (GRCh38, 1-based): chr2:165,155,865, C>T on the plus strand (G>A on the coding strand, the complement: SCN3A is on the minus strand). VCF-style: chr2-165155865-C-T. GRCh37 (hg19) VCF-style: chr2-166012375-C-T.
Other names: c.1070G>A, p.Arg357Gln (NM_001081676.2, NM_001081677.2); short protein forms R357Q.
Identifiers: ClinVar variation 522563 (VCV000522563.18), dbSNP rs774195502, ClinGen allele CA1939243.

ClinVar aggregate classification (germline): Conflicting classifications of pathogenicity. Review status: criteria provided, conflicting classifications (1 of 4 stars). 5 submissions from 5 submitters: Uncertain significance (3); Likely benign (1). 1 of the submissions does not count toward it. Last evaluated 2026-02-03.

Conditions:
Epilepsy, familial focal, with variable foci 4 (FFEVF4). Identifiers: MedGen C4693694, MONDO:0054776, OMIM 617935.
Inborn genetic diseases. Identifiers: MedGen C0950123, MeSH D030342.

Allele frequency attached by ClinVar (database versions not stated): gnomAD 0.00005 and 0.00006; gnomAD exomes 0.00005 and 0.00006; ExAC 0.00007; TOPMed 0.00005.
gnomAD v4.1: 90 of 1,613,984 alleles (0.0056%); highest among the groups gnomAD compares: African/African-American, 0.008%; no homozygotes.

Submissions (5):

Labcorp Genetics (formerly Invitae), Labcorp
Classification: Uncertain significance. Last evaluated: 2026-02-03. Review status: criteria provided, single submitter. Criteria: Invitae Variant Classification Sherloc (09022015). Collection method: clinical testing. Allele origin: germline.
Comment: This sequence change replaces arginine, which is basic and polar, with glutamine, which is neutral and polar, at codon 357 of the SCN3A protein (p.Arg357Gln). This variant is present in population databases (rs774195502, gnomAD 0.009%). This missense change has been observed in individual(s) with clinical features of SCN3A-related conditions (PMID: 24157691). ClinVar contains an entry for this variant (Variation ID: 522563). Invitae Evidence Modeling of protein sequence and biophysical properties (such as structural, functional, and spatial information, amino acid conservation, physicochemical variation, residue mobility, and thermodynamic stability) indicates that this missense variant is not expected to disrupt SCN3A protein function with a negative predictive value of 80%. Experimental studies have shown that this missense change affects SCN3A function (PMID: 24157691). In summary, the available evidence is currently insufficient to determine the role of this variant in disease. Therefore, it has been classified as a Variant of Uncertain Significance.

Ambry Genetics
Classification: Likely benign for Inborn genetic diseases. Last evaluated: 2025-07-10. Review status: criteria provided, single submitter. Criteria: Ambry Variant Classification Scheme 2023. Collection method: clinical testing. Allele origin: germline.

GeneDx
Classification: Uncertain significance. Last evaluated: 2024-08-20. Review status: criteria provided, single submitter. Criteria: GeneDx Variant Classification Process June 2021. Collection method: clinical testing. Allele origin: germline.
Comment: Reported previously in a single individual with focal epilepsy but no segregation information was available. Aside from SCN1A testing, no additional testing to rule out other possible causes of epilepsy was reported (PMID: 24157691); Published functional studies demonstrate that the R357Q variant affects protein function consistent with hyper-excitability (PMID: 24157691); In silico analysis supports that this missense variant has a deleterious effect on protein structure/function; This variant is associated with the following publications: (PMID: 28488083, 31589614, 33236643, 29466837, 24157691, 38964184, 35918039)

Revvity Omics, Revvity
Classification: Uncertain significance. Last evaluated: 2019-09-19. Review status: criteria provided, single submitter. Criteria: ACMG Guidelines, 2015. Collection method: clinical testing. Allele origin: germline.

OMIM
Classification: Pathogenic for EPILEPSY, FAMILIAL FOCAL, WITH VARIABLE FOCI 4. Last evaluated: 2020-09-01. Review status: no assertion criteria provided. Collection method: literature only. Allele origin: germline. Not counted in ClinVar's aggregate classification.

Literature cited by the submitters: PubMed 24157691 (cited by Labcorp Genetics (formerly Invitae), Labcorp and OMIM); PubMed 29466837 (cited by OMIM).